The following is an entry in ClinVar:

NM_020812.4(DOCK6):c.5669G>A (p.Arg1890His)

Gene: DOCK6 (dedicator of cytokinesis 6; minus strand). Cytogenetic location: 19p13.2.
Variant type: single nucleotide variant.
Coding change: c.5669G>A on transcript NM_020812.4 (MANE Select); coding-DNA position 5669, G replaced by A.
Protein change: p.Arg1890His; replaces arginine 1890 with histidine.
Molecular consequence: missense variant.
Genome position (GRCh38, 1-based): chr19:11,201,908, C>T on the plus strand (G>A on the coding strand, the complement: DOCK6 is on the minus strand). VCF-style: chr19-11201908-C-T. GRCh37 (hg19) VCF-style: chr19-11312584-C-T.
Other names: c.5774G>A, p.Arg1925His (NM_001367830.1); c.5669G>A (NM_020812.2); short protein forms R1890H, R1925H.
Identifiers: ClinVar variation 2144012 (VCV002144012.7), dbSNP rs773454770, ClinGen allele CA9206390.

ClinVar aggregate classification (germline): Uncertain significance. Review status: criteria provided, multiple submitters, no conflicts (2 of 4 stars). 3 submissions from 3 submitters: Uncertain significance (3). Last evaluated 2025-04-17.

Conditions:
Inborn genetic diseases. Identifiers: MedGen C0950123, MeSH D030342.

Allele frequency attached by ClinVar (database versions not stated): gnomAD 0.00001; ExAC 0.00003; TOPMed 0.00003.
gnomAD v4.1: 27 of 1,578,436 alleles (0.0017%); highest among the groups gnomAD compares: East Asian, 0.012%; no homozygotes.

Submissions (4):

Women's Health and Genetics/Laboratory Corporation of America, LabCorp
Classification: Uncertain significance. Last evaluated: 2025-04-17. Review status: criteria provided, single submitter. Criteria: LabCorp Variant Classification Summary - May 2015. Collection method: clinical testing. Allele origin: germline.
Comment: Variant summary: DOCK6 c.5669G>A (p.Arg1890His) results in a non-conservative amino acid change in the encoded protein sequence. Three of five in-silico tools predict a damaging effect of the variant on protein function. The variant allele was found at a frequency of 5.6e-05 in 197248 control chromosomes. This frequency is not significantly higher than estimated for a pathogenic variant in DOCK6 causing Adams-Oliver Syndrome 2, allowing no conclusion about variant significance. To our knowledge, no occurrence of c.5669G>A in individuals affected with Adams-Oliver Syndrome 2 and no experimental evidence demonstrating its impact on protein function have been reported. ClinVar contains an entry for this variant (Variation ID: 2144012). Based on the evidence outlined above, the variant was classified as uncertain significance.

Ambry Genetics
Classification: Uncertain significance for Inborn genetic diseases. Last evaluated: 2024-04-06. Review status: criteria provided, single submitter. Criteria: Ambry Variant Classification Scheme 2023. Collection method: clinical testing. Allele origin: germline.

Labcorp Genetics (formerly Invitae), Labcorp
Classification: Uncertain significance. Last evaluated: 2023-08-04. Review status: criteria provided, single submitter. Criteria: Invitae Variant Classification Sherloc (09022015). Collection method: clinical testing. Allele origin: germline.
Comment: This sequence change replaces arginine, which is basic and polar, with histidine, which is basic and polar, at codon 1890 of the DOCK6 protein (p.Arg1890His). This variant is present in population databases (rs773454770, gnomAD 0.02%). This variant has not been reported in the literature in individuals affected with DOCK6-related conditions. ClinVar contains an entry for this variant (Variation ID: 2144012). Advanced modeling of protein sequence and biophysical properties (such as structural, functional, and spatial information, amino acid conservation, physicochemical variation, residue mobility, and thermodynamic stability) performed at Invitae indicates that this missense variant is not expected to disrupt DOCK6 protein function. In summary, the available evidence is currently insufficient to determine the role of this variant in disease. Therefore, it has been classified as a Variant of Uncertain Significance.

Dr. Peter K. Rogan Lab, Western University
No classification provided (evidence only). Condition: Acute myeloid leukemia. Review status: no classification provided. Collection method: in vitro. Allele origin: not applicable. Functional consequence: retained intron. Not counted in ClinVar's aggregate classification.